The following is an entry in ClinVar:

ClinVar aggregate classification (germline): Benign. Review status: criteria provided, multiple submitters, no conflicts (2 of 4 stars). 2 submissions from 2 submitters: Benign (2). Last evaluated 2018-01-13.

Conditions:
Immunodeficiency 51 (IMD51). Also called: CANDIDIASIS, FAMILIAL, 5. Identifiers: Orphanet 1334, MedGen C4310803, MONDO:0013500, OMIM 613953.

Allele frequency attached by ClinVar (database versions not stated): gnomAD 0.01136 and 0.01249; TOPMed 0.01479; 1000 Genomes Project 30x 0.03232; 1000 Genomes Project 0.03335.

Submissions (2):

Illumina Laboratory Services, Illumina
Classification: Benign for Immunodeficiency 51. Last evaluated: 2018-01-13. Review status: criteria provided, single submitter. Criteria: ICSL Variant Classification Criteria 13 December 2019. Collection method: clinical testing. Allele origin: germline.
Comment: This variant was observed in the ICSL laboratory as part of a predisposition screen in an ostensibly healthy population. It had not been previously curated by ICSL or reported in the Human Gene Mutation Database (HGMD: prior to June 1st, 2018), and was therefore a candidate for classification through an automated scoring system. Utilizing variant allele frequency, disease prevalence and penetrance estimates, and inheritance mode, an automated score was calculated to assess if this variant is too frequent to cause the disease. Based on the score and internal cut-off values, a variant classified as benign is not then subjected to further curation. The score for this variant resulted in a classification of benign for this disease.

Breakthrough Genomics
Classification: Benign. Review status: criteria provided, single submitter. Criteria: ACMG Guidelines, 2015. Collection method: not provided. Allele origin: germline. Inheritance: Autosomal recessive inheritance. Affected: yes.

NM_014339.7(IL17RA):c.*5036C>T

Gene: IL17RA (interleukin 17 receptor A; plus strand). Cytogenetic location: 22q11.1.
Variant type: single nucleotide variant.
Coding change: c.*5036C>T on transcript NM_014339.7 (MANE Select); 5036 bases downstream of the stop codon, C replaced by T.
Molecular consequence: 3 prime UTR variant.
Genome position (GRCh38, 1-based): chr22:17,114,856, C>T. VCF-style: chr22-17114856-C-T. GRCh37 (hg19) VCF-style: chr22-17595746-C-T.
Other names: c.*5036C>T (NM_001289905.2).
Identifiers: ClinVar variation 340721 (VCV000340721.6), dbSNP rs1003945, ClinGen allele CA10653187.
Genomic context (GRCh38, chr22:17,114,856, plus strand): 5'-AGCAGTGCAGATGTGGGAGGAAGAAGGGCCTTGGTGCACACTGGCTTTTCTTCCTGACTG[C>T]AATGTGGCATTGTGCCAGCTACCTCCTCTTTCTCGGCCTCAGGAAAATGGAGAGAAAGCA-3'